The following is an entry in ClinVar:

NM_213720.3(CHCHD10):c.82C>T (p.Pro28Ser)

Gene: CHCHD10 (coiled-coil-helix-coiled-coil-helix domain containing 10; minus strand). Cytogenetic location: 22q11.23.
Variant type: single nucleotide variant.
Coding change: c.82C>T on transcript NM_213720.3 (MANE Select); coding-DNA position 82, C replaced by T.
Protein change: p.Pro28Ser; replaces proline 28 with serine.
Molecular consequence: missense variant.
Genome position (GRCh38, 1-based): chr22:23,767,553, G>A on the plus strand (C>T on the coding strand, the complement: CHCHD10 is on the minus strand). VCF-style: chr22-23767553-G-A. GRCh37 (hg19) VCF-style: chr22-24109740-G-A.
Other names: c.82C>T, p.Pro28Ser (NM_001301339.2); short protein forms P28S.
Identifiers: ClinVar variation 1339018 (VCV001339018.2), dbSNP rs2145927205, ClinGen allele CA410916854.
Genomic context (GRCh38, chr22:23,767,553, plus strand): 5'-TCTGAGCCATGAGCCCCGGCTGGCCCGAAGGGGCGGGGGCTGGGGCGGCTGCCGAGGGCG[G>A]TGGGTGCGCGGGCGGGTGGGCAGAGGGCGCGGCTGGGCGGCTGCGGGGGTGGGAGGAAGC-3'
Protein context (NP_998885.1, residues 18-38): APSAHPPAHP[Pro28Ser]PSAAAPAPAP

ClinVar aggregate classification (germline): Uncertain significance (1 of 4 stars; one submission).

Conditions:
Frontotemporal dementia and/or amyotrophic lateral sclerosis 2. Also called: FTDALS2. Identifiers: Orphanet 275872, MedGen C4014648, MONDO:0014395, OMIM 615911.

Allele frequency attached by ClinVar (database versions not stated): gnomAD exomes below 0.00001.
gnomAD v4.1: 1 of 1,399,736 alleles (0.000071%); highest among the groups gnomAD compares: South Asian, 0.0015%; no homozygotes.

Submission:

Neuberg Centre For Genomic Medicine, NCGM
Classification: Uncertain significance for Frontotemporal dementia and/or amyotrophic lateral sclerosis 2. Review status: criteria provided, single submitter. Criteria: ACMG Guidelines, 2015. Collection method: clinical testing. Allele origin: germline. Affected: yes.
Comment: The missense variant p.P28S in CHCHD10 (NM_213720.3) has not been reported previously as a pathogenic variant nor as a benign variant, to our knowledge. The p.P28S variant is novel (not in any individuals) in gnomAD Exomes and is novel (not in any individuals) in 1000 Genomes. The p.P28S missense variant is predicted to be damaging by both SIFT and PolyPhen2. The nucleotide c.82 in CHCHD10 is predicted conserved by GERP++ and PhyloP across 100 vertebrates. For these reasons, this variant has been classified as Uncertain Significance.